The following is an entry in ClinVar:

NM_003482.4(KMT2D):c.544_548del (p.Ile182fs)

Gene: KMT2D (lysine methyltransferase 2D; minus strand). Cytogenetic location: 12q13.12.
Variant type: Deletion.
Coding change: c.544_548del on transcript NM_003482.4 (MANE Select); coding-DNA positions 544 to 548, 5 bases deleted (ATCCC; older notation c.544_548delATCCC).
Protein change: p.Ile182fs; shifts the reading frame from isoleucine 182.
Molecular consequence: frameshift variant.
Genome position (GRCh38, 1-based): chr12:49,054,103-49,054,107, GGGAT deleted on the plus strand (ATCCC on the coding strand, the reverse complement: KMT2D is on the minus strand); deleting any 5 consecutive bases within chr12:49,054,103-49,054,109 gives the same sequence; the c. name uses the placement nearest the transcript's 3' end. VCF-style (leftmost placement, unchanged base first): chr12-49054102-AGGGAT-A. GRCh37 (hg19) VCF-style: chr12-49447885-AGGGAT-A.
Other names: short protein forms I182fs.
Identifiers: ClinVar variation 853584 (VCV000853584.7), dbSNP rs1938252263, ClinGen allele CA916083307.
Genomic context (GRCh38, chr12:49,054,102, plus strand): 5'-GGAACCGCTGGCAGTCGCGCAGGGGAAGTGGTAAAGCCGTGGACATCCAGGTGAGCGGCA[AGGGAT>A]GGAGGCACCGAGCCTGGTGCAGTGGGAGCAGCGCTGCCAGGGTGAAAAAAGAGCCTCAGT-3'

ClinVar aggregate classification (germline): Pathogenic (1 of 4 stars; one submission).

Conditions:
Kabuki syndrome. Also called: NIIKAWA-KUROKI SYNDROME; Kabuki make-up syndrome. Identifiers: Orphanet 2322, MedGen C0796004, MONDO:0016512.

Submission:

Labcorp Genetics (formerly Invitae), Labcorp
Classification: Pathogenic for Kabuki syndrome. Last evaluated: 2019-01-01. Review status: criteria provided, single submitter. Criteria: Invitae Variant Classification Sherloc (09022015). Collection method: clinical testing. Allele origin: germline.
Comment: For these reasons, this variant has been classified as Pathogenic. Loss-of-function variants in KMT2D are known to be pathogenic (PMID: 22126750). This variant has not been reported in the literature in individuals with KMT2D-related conditions. This variant is not present in population databases (ExAC no frequency). This sequence change creates a premature translational stop signal (p.Ile182Leufs*36) in the KMT2D gene. It is expected to result in an absent or disrupted protein product.

Literature cited by the submitters: PubMed 22126750.